The following is an entry in ClinVar:

ClinVar aggregate classification (germline): Likely pathogenic (1 of 4 stars; one submission).

Conditions:
Adams-Oliver syndrome 6 (AOS6). Identifiers: Orphanet 974, MedGen C4225271, MONDO:0014703, OMIM 616589.

Submission:

3billion
Classification: Likely pathogenic for Adams-Oliver syndrome 6. Last evaluated: 2021-10-02. Review status: criteria provided, single submitter. Criteria: ACMG Guidelines, 2015. Collection method: clinical testing. Allele origin: germline. Affected: yes. Observed: 1 heterozygote.
Comment: The variant was observed as assumed (i.e. paternity and maternity not confirmed) de novoo (3billion dataset, PM6). It is not observed in the gnomAD v2.1.1 dataset (PM2). In silico tool predictions suggest damaging effect of the variant on gene or gene product (REVEL: 0.705, 3Cnet: 0.993, PP3). Therefore, this variant is classified as pathogenic according to the recommendation of ACMG/AMP guideline.Patient's phenotype is considered compatible with Adams-Oliver syndrome 6 (3billion dataset, PP4). Therefore, this variant is classified as pathogenic according to the recommendation of ACMG/AMP guideline.

NM_019074.4(DLL4):c.784G>A (p.Gly262Ser)

Gene: DLL4 (delta like canonical Notch ligand 4; plus strand). Cytogenetic location: 15q15.1.
Variant type: single nucleotide variant.
Coding change: c.784G>A on transcript NM_019074.4 (MANE Select); coding-DNA position 784, G replaced by A.
Protein change: p.Gly262Ser; replaces glycine 262 with serine.
Molecular consequence: missense variant.
Genome position (GRCh38, 1-based): chr15:40,932,381, G>A. VCF-style: chr15-40932381-G-A. GRCh37 (hg19) VCF-style: chr15-41224579-G-A.
Other names: short protein forms G262S.
Identifiers: ClinVar variation 1320129 (VCV001320129.1), dbSNP rs2140369593, ClinGen allele CA391808418.